The following is an entry in ClinVar:

NM_018718.3(CEP41):c.422+7G>A

Gene: CEP41 (centrosomal protein 41; minus strand). Cytogenetic location: 7q32.2.
Variant type: single nucleotide variant.
Coding change: c.422+7G>A on transcript NM_018718.3 (MANE Select); 7 bases into the intron after coding-DNA position 422, G replaced by A.
Molecular consequence: intron variant.
Genome position (GRCh38, 1-based): chr7:130,404,557, C>T on the plus strand (G>A on the coding strand, the complement: CEP41 is on the minus strand). VCF-style: chr7-130404557-C-T. GRCh37 (hg19) VCF-style: chr7-130044398-C-T.
Other names: c.374+7G>A (NM_001257159.2); c.422+7G>A (NM_001257158.2).
Identifiers: ClinVar variation 390041 (VCV000390041.15), dbSNP rs190680511, ClinGen allele CA4485581.

ClinVar aggregate classification (germline): Conflicting classifications of pathogenicity. Review status: criteria provided, conflicting classifications (1 of 4 stars). 6 submissions from 6 submitters: Uncertain significance (1); Likely benign (3). 2 of the submissions do not count toward it. Last evaluated 2026-02-01.

Conditions:
CEP41-related disorder. Also called: CEP41-related condition.
Joubert syndrome 15 (JBTS15). Identifiers: Orphanet 475, MedGen C3280897, MONDO:0013763, OMIM 614464.

Allele frequency attached by ClinVar (database versions not stated): ExAC 0.00007; gnomAD exomes 0.00007 and 0.00008; ESP Exome Variant Server 0.00015; TOPMed 0.00026; gnomAD 0.00028; 1000 Genomes Project 30x 0.00047; 1000 Genomes Project 0.00060.
gnomAD v4.1: 144 of 1,612,990 alleles (0.0089%); highest among the groups gnomAD compares: African/African-American, 0.087%; 1 homozygote.

Submissions (6):

Labcorp Genetics (formerly Invitae), Labcorp
Classification: Likely benign for Joubert syndrome 15. Last evaluated: 2026-02-01. Review status: criteria provided, single submitter. Criteria: Invitae Variant Classification Sherloc (09022015). Collection method: clinical testing. Allele origin: germline.

Blueprint Genetics
Classification: Likely benign. Last evaluated: 2022-02-25. Review status: criteria provided, single submitter. Criteria: ACMG Guidelines, 2015. Collection method: clinical testing. Allele origin: germline.

Center for Pediatric Genomic Medicine, Children's Mercy Hospital and Clinics
Classification: Uncertain significance. Last evaluated: 2017-07-19. Review status: criteria provided, single submitter. Criteria: ACMG Guidelines, 2015. Collection method: clinical testing. Allele origin: germline.

GeneDx
Classification: Likely benign. Last evaluated: 2016-10-17. Review status: criteria provided, single submitter. Criteria: GeneDx Variant Classification (06012015). Collection method: clinical testing. Allele origin: germline. Affected: yes.
Comment: This variant is considered likely benign or benign based on one or more of the following criteria: it is a conservative change, it occurs at a poorly conserved position in the protein, it is predicted to be benign by multiple in silico algorithms, and/or has population frequency not consistent with disease.

Genetic Services Laboratory, University of Chicago
Classification: Likely benign. Last evaluated: 2022-07-20. Review status: no assertion criteria provided. Collection method: clinical testing. Allele origin: germline. Affected: no. Not counted in ClinVar's aggregate classification.

PreventionGenetics, part of Exact Sciences
Classification: Likely benign for CEP41-related condition. Last evaluated: 2019-10-28. Review status: no assertion criteria provided. Collection method: clinical testing. Allele origin: germline. Not counted in ClinVar's aggregate classification.
Comment: This variant is classified as likely benign based on ACMG/AMP sequence variant interpretation guidelines (Richards et al. 2015 PMID: 25741868, with internal and published modifications).